The following is an entry in ClinVar:

NM_004006.3(DMD):c.5047A>G (p.Thr1683Ala)

Gene: DMD (dystrophin; minus strand). Cytogenetic location: Xp21.1.
Variant type: single nucleotide variant.
Coding change: c.5047A>G on transcript NM_004006.3 (MANE Select); coding-DNA position 5047, A replaced by G.
Protein change: p.Thr1683Ala; replaces threonine 1683 with alanine.
Molecular consequence: missense variant.
Genome position (GRCh38, 1-based): chrX:32,364,689, T>C on the plus strand (A>G on the coding strand, the complement: DMD is on the minus strand). VCF-style: chrX-32364689-T-C. GRCh37 (hg19) VCF-style: chrX-32382806-T-C.
Other names: c.5023A>G, p.Thr1675Ala (NM_000109.4); c.5035A>G, p.Thr1679Ala (NM_004009.3); c.4678A>G, p.Thr1560Ala (NM_004010.3); c.1024A>G, p.Thr342Ala (NM_004011.4); c.1015A>G, p.Thr339Ala (NM_004012.4); short protein forms T1675A, T1679A, T1683A, T1560A, T342A, T339A.
Identifiers: ClinVar variation 1383635 (VCV001383635.7), dbSNP rs1057515873, ClinGen allele CA412671652.

ClinVar aggregate classification (germline): Uncertain significance (1 of 4 stars; one submission).

Conditions:
Duchenne muscular dystrophy (DMD). Also called: MUSCULAR DYSTROPHY, PSEUDOHYPERTROPHIC PROGRESSIVE, DUCHENNE TYPE; Duchenne Muscular Dystrophy (DMD). Identifiers: Orphanet 98896, MedGen C0013264, MONDO:0010679, OMIM 310200.

Allele frequency attached by ClinVar (database versions not stated): gnomAD 0.00002.
gnomAD v4.1: 2 of 1,207,552 alleles (0.00017%); highest among the groups gnomAD compares: African/African-American, 0.0035%; no homozygotes.

Submission:

Labcorp Genetics (formerly Invitae), Labcorp
Classification: Uncertain significance for Duchenne muscular dystrophy. Last evaluated: 2024-10-31. Review status: criteria provided, single submitter. Criteria: Invitae Variant Classification Sherloc (09022015). Collection method: clinical testing. Allele origin: germline.
Comment: This sequence change replaces threonine, which is neutral and polar, with alanine, which is neutral and non-polar, at codon 1683 of the DMD protein (p.Thr1683Ala). This variant is present in population databases (no rsID available, gnomAD 0.02%). This variant has not been reported in the literature in individuals affected with DMD-related conditions. ClinVar contains an entry for this variant (Variation ID: 1383635). Invitae Evidence Modeling of protein sequence and biophysical properties (such as structural, functional, and spatial information, amino acid conservation, physicochemical variation, residue mobility, and thermodynamic stability) indicates that this missense variant is not expected to disrupt DMD protein function with a negative predictive value of 95%. In summary, the available evidence is currently insufficient to determine the role of this variant in disease. Therefore, it has been classified as a Variant of Uncertain Significance.